The following is an entry in ClinVar:

NM_015311.3(OBSL1):c.2266G>A (p.Val756Met)

Gene: OBSL1 (obscurin like cytoskeletal adaptor 1; minus strand). Cytogenetic location: 2q35.
Variant type: single nucleotide variant.
Coding change: c.2266G>A on transcript NM_015311.3 (MANE Select); coding-DNA position 2266, G replaced by A.
Protein change: p.Val756Met; replaces valine 756 with methionine.
Molecular consequence: missense variant.
Genome position (GRCh38, 1-based): chr2:219,565,383, C>T on the plus strand (G>A on the coding strand, the complement: OBSL1 is on the minus strand). VCF-style: chr2-219565383-C-T. GRCh37 (hg19) VCF-style: chr2-220430105-C-T.
Other names: c.2266G>A, p.Val756Met (NM_001173408.2, NM_001173431.2); short protein forms V756M.
Identifiers: ClinVar variation 1993487 (VCV001993487.4), dbSNP rs1264961721, ClinGen allele CA350750741.
Genomic context (GRCh38, chr2:219,565,383, plus strand): 5'-GCAGGATCAGACGGTGTTTGCGCCCATCCATCTTCACCACCAGCAACTCGCTCTCCTCCA[C>T]CTTCTGCCCATCCTTGTACCAGGTTGCCGGGAAGTCCACCCTTGAGAGCTCACAAGTCAG-3'
Protein context (NP_056126.1, residues 746-766): PATWYKDGQK[Val756Met]EESELLVVKM

ClinVar aggregate classification (germline): Uncertain significance (1 of 4 stars; one submission).

gnomAD v4.1: 4 of 1,614,046 alleles (0.00025%); no homozygotes.

Submission:

Labcorp Genetics (formerly Invitae), Labcorp
Classification: Uncertain significance. Last evaluated: 2022-05-12. Review status: criteria provided, single submitter. Criteria: Invitae Variant Classification Sherloc (09022015). Collection method: clinical testing. Allele origin: germline.
Comment: In summary, the available evidence is currently insufficient to determine the role of this variant in disease. Therefore, it has been classified as a Variant of Uncertain Significance. Algorithms developed to predict the effect of missense changes on protein structure and function are either unavailable or do not agree on the potential impact of this missense change (SIFT: "Deleterious"; PolyPhen-2: "Probably Damaging"; Align-GVGD: "Class C0"). This variant has not been reported in the literature in individuals affected with OBSL1-related conditions. This variant is present in population databases (no rsID available, gnomAD 0.01%). This sequence change replaces valine, which is neutral and non-polar, with methionine, which is neutral and non-polar, at codon 756 of the OBSL1 protein (p.Val756Met).